The following is an entry in ClinVar:

NM_001136193.2(FASTKD2):c.1559T>G (p.Leu520Arg)

Gene: FASTKD2 (FAST kinase domains 2; plus strand). Cytogenetic location: 2q33.3.
Variant type: single nucleotide variant.
Coding change: c.1559T>G on transcript NM_001136193.2 (MANE Select); coding-DNA position 1559, T replaced by G.
Protein change: p.Leu520Arg; replaces leucine 520 with arginine.
Molecular consequence: missense variant.
Genome position (GRCh38, 1-based): chr2:206,786,864, T>G. VCF-style: chr2-206786864-T-G. GRCh37 (hg19) VCF-style: chr2-207651588-T-G.
Other names: p.L520R:CTG>CGG; c.1559T>G, p.Leu520Arg (NM_001136194.2, NM_014929.4); short protein forms L520R.
Identifiers: ClinVar variation 214355 (VCV000214355.3), dbSNP rs533213706, ClinGen allele CA321520.

ClinVar aggregate classification (germline): Uncertain significance. Review status: criteria provided, multiple submitters, no conflicts (2 of 4 stars). 2 submissions from 2 submitters: Uncertain significance (2). Last evaluated 2023-11-13.

Conditions:
Inborn genetic diseases. Identifiers: MedGen C0950123, MeSH D030342.

Allele frequency attached by ClinVar (database versions not stated): TOPMed below 0.00001; gnomAD 0.00001; 1000 Genomes Project 30x 0.00016; 1000 Genomes Project 0.00020.
gnomAD v4.1: 38 of 1,610,358 alleles (0.0024%); highest among the groups gnomAD compares: South Asian, 0.041%; no homozygotes.

Submissions (2):

Ambry Genetics
Classification: Uncertain significance for Inborn genetic diseases. Last evaluated: 2023-11-13. Review status: criteria provided, single submitter. Criteria: Ambry Variant Classification Scheme 2023. Collection method: clinical testing. Allele origin: germline.

GeneDx
Classification: Uncertain significance. Last evaluated: 2014-12-01. Review status: criteria provided, single submitter. Criteria: GeneDx Variant Classification (06012015). Collection method: clinical testing. Allele origin: germline. Affected: yes.
Comment: p.Leu520Arg (CTG>CGG): c.1559 T>G in exon 8 of the FASTKD2 gene (NM_014929.3). The L520R variant has not been published as a mutation, nor has it been reported as a benign polymorphism to our knowledge. The L520R variant is a non-conservative amino acid substitution, which is likely to impact secondary protein structure as these residues differ in polarity, charge, size and/or other properties. This substitution occurs at a position where amino acids similar to Leucine are conserved across species. In silico analysis is inconsistent in its predictions as to whether or not the variant is damaging to the protein structure/function. Therefore, based on the currently available information, it is unclear whether this variant is a pathogenic mutation or a rare benign variant. The variant is found in LSME-MITOP panel(s).